The following is an entry in ClinVar:

ClinVar aggregate classification (germline): Benign/Likely benign. Review status: criteria provided, multiple submitters, no conflicts (2 of 4 stars). 3 submissions from 3 submitters: Benign (1); Likely benign (2). Last evaluated 2025-12-14.

Conditions:
Hereditary cancer-predisposing syndrome. Also called: Hereditary neoplastic syndrome; Neoplastic Syndromes, Hereditary; Tumor predisposition; Hereditary Cancer Syndrome. Identifiers: Orphanet 140162, MedGen C0027672, MeSH D009386, MONDO:0015356.
Peutz-Jeghers syndrome (PJS). Also called: POLYPOSIS, HAMARTOMATOUS INTESTINAL; POLYPS-AND-SPOTS SYNDROME; Peutz-Jeghers polyposis; Periorificial lentiginosis syndrome. Identifiers: Orphanet 2869, MedGen C0031269, MeSH D010580, MONDO:0008280, OMIM 175200.

Submissions (3):

Labcorp Genetics (formerly Invitae), Labcorp
Classification: Likely benign for Peutz-Jeghers syndrome. Last evaluated: 2025-12-14. Review status: criteria provided, single submitter. Criteria: Invitae Variant Classification Sherloc (09022015). Collection method: clinical testing. Allele origin: germline.

Myriad Genetics, Inc.
Classification: Benign for Peutz-Jeghers syndrome. Last evaluated: 2025-03-27. Review status: criteria provided, single submitter. Criteria: Myriad Autosomal Dominant, Autosomal Recessive and X-Linked Classification Criteria (2023). Collection method: clinical testing. Allele origin: unknown.
Comment: This variant is considered benign. This variant is a silent/synonymous amino acid change and it is not expected to impact splicing.

Ambry Genetics
Classification: Likely benign for Hereditary cancer-predisposing syndrome. Last evaluated: 2017-09-14. Review status: criteria provided, single submitter. Criteria: Ambry Variant Classification Scheme 2023. Collection method: clinical testing. Allele origin: germline.

NM_000455.5(STK11):c.762C>G (p.Pro254=)

Gene: STK11 (serine/threonine kinase 11; plus strand). Cytogenetic location: 19p13.3.
Variant type: single nucleotide variant.
Coding change: c.762C>G on transcript NM_000455.5 (MANE Select); coding-DNA position 762, C replaced by G.
Protein change: p.Pro254=; no amino-acid change (proline 254 retained).
Molecular consequence: synonymous variant.
Genome position (GRCh38, 1-based): chr19:1,221,240, C>G. VCF-style: chr19-1221240-C-G. GRCh37 (hg19) VCF-style: chr19-1221239-C-G.
Identifiers: ClinVar variation 480732 (VCV000480732.9), dbSNP rs1555738623, ClinGen allele CA504707066.